The following is an entry in ClinVar:

ClinVar aggregate classification (germline): Uncertain significance (1 of 4 stars; one submission).

Submission:

Labcorp Genetics (formerly Invitae), Labcorp
Classification: Uncertain significance. Last evaluated: 2022-12-09. Review status: criteria provided, single submitter. Criteria: Invitae Variant Classification Sherloc (09022015). Collection method: clinical testing. Allele origin: germline.
Comment: This sequence change replaces aspartic acid, which is acidic and polar, with valine, which is neutral and non-polar, at codon 175 of the TOPORS protein (p.Asp175Val). This variant is not present in population databases (gnomAD no frequency). Algorithms developed to predict the effect of missense changes on protein structure and function are either unavailable or do not agree on the potential impact of this missense change (SIFT: "Deleterious"; PolyPhen-2: "Probably Damaging"; Align-GVGD: "Class C0"). This variant has not been reported in the literature in individuals affected with TOPORS-related conditions. In summary, the available evidence is currently insufficient to determine the role of this variant in disease. Therefore, it has been classified as a Variant of Uncertain Significance.

NM_005802.5(TOPORS):c.524A>T (p.Asp175Val)

Gene: TOPORS (TOP1 binding arginine/serine rich protein, E3 ubiquitin ligase; minus strand). Cytogenetic location: 9p21.1.
Variant type: single nucleotide variant.
Coding change: c.524A>T on transcript NM_005802.5 (MANE Select); coding-DNA position 524, A replaced by T.
Protein change: p.Asp175Val; replaces aspartic acid 175 with valine.
Molecular consequence: missense variant.
Genome position (GRCh38, 1-based): chr9:32,544,001, T>A on the plus strand (A>T on the coding strand, the complement: TOPORS is on the minus strand). VCF-style: chr9-32544001-T-A. GRCh37 (hg19) VCF-style: chr9-32543999-T-A.
Other names: c.329A>T, p.Asp110Val (NM_001195622.2); short protein forms D110V, D175V.
Identifiers: ClinVar variation 2026495 (VCV002026495.4), dbSNP rs2489454756, ClinGen allele CA373172438.
Genomic context (GRCh38, chr9:32,544,001, plus strand): 5'-GGTGAATACACAGAAGCATTTCGTTCCCTTGTCAGAGTTGTACGGTAGCGAAATCGTCGA[T>A]CAGGGGTGACAAAAGAACCATTATACGAAGGCCTTAGGACATACTCCTTGAAGTCATCTT-3'
Protein context (NP_005793.2, residues 165-185): PSYNGSFVTP[Asp175Val]RRFRYRTTLT